The following is an entry in ClinVar:

ClinVar aggregate classification (germline): Uncertain significance (1 of 4 stars; one submission).

Submission:

Labcorp Genetics (formerly Invitae), Labcorp
Classification: Uncertain significance. Last evaluated: 2022-10-07. Review status: criteria provided, single submitter. Criteria: Invitae Variant Classification Sherloc (09022015). Collection method: clinical testing. Allele origin: germline.
Comment: In summary, the available evidence is currently insufficient to determine the role of this variant in disease. Therefore, it has been classified as a Variant of Uncertain Significance. Experimental studies and prediction algorithms are not available or were not evaluated, and the functional significance of this variant is currently unknown. This variant has not been reported in the literature in individuals affected with YWHAG-related conditions. This variant results in a copy number gain of the genomic region encompassing exon(s) 2 of the YWHAG gene. This region includes the termination codon of the gene. This copy number gain extends beyond the assayed region for this gene and therefore may encompass additional genes. As the precise location of this event is unknown, it may be in tandem or it may be located elsewhere in the genome.

NC_000007.13:g.(?_75958894)_(75959570_?)dup

Gene: YWHAG (tyrosine 3-monooxygenase/tryptophan 5-monooxygenase activation protein gamma; minus strand). Cytogenetic location: 7q11.23.
Variant type: Duplication.
Identifiers: ClinVar variation 2425827 (VCV002425827.4).